The following is an entry in ClinVar:

NM_144991.3(TSPEAR):c.492G>A (p.Val164=)

Gene: TSPEAR (thrombospondin type laminin G domain and EAR repeats; minus strand). Cytogenetic location: 21q22.3.
Variant type: single nucleotide variant.
Coding change: c.492G>A on transcript NM_144991.3 (MANE Select); coding-DNA position 492, G replaced by A.
Protein change: p.Val164=; no amino-acid change (valine 164 retained).
Molecular consequence: synonymous variant.
Genome position (GRCh38, 1-based): chr21:44,533,735, C>T on the plus strand (G>A on the coding strand, the complement: TSPEAR is on the minus strand). VCF-style: chr21-44533735-C-T. GRCh37 (hg19) VCF-style: chr21-45953618-C-T.
Other names: c.288G>A, p.Val96= (NM_001272037.2); c.492G>A (NM_144991.2).
Identifiers: ClinVar variation 2800793 (VCV002800793.4), dbSNP rs2517395161, ClinGen allele CA512672143.

ClinVar aggregate classification (germline): Conflicting classifications of pathogenicity. Review status: criteria provided, conflicting classifications (1 of 4 stars). 2 submissions from 2 submitters: Uncertain significance (1); Likely benign (1). Last evaluated 2026-04-06.

Submissions (2):

GeneDx
Classification: Uncertain significance. Last evaluated: 2026-04-06. Review status: criteria provided, single submitter. Criteria: GeneDx Variant Classification Process June 2021. Collection method: clinical testing. Allele origin: germline.
Comment: Not observed at significant frequency in large population cohorts (gnomAD); In silico analysis suggests that this variant does not alter splicing; Has not been previously published as pathogenic or benign to our knowledge

Labcorp Genetics (formerly Invitae), Labcorp
Classification: Likely benign. Last evaluated: 2024-05-20. Review status: criteria provided, single submitter. Criteria: Invitae Variant Classification Sherloc (09022015). Collection method: clinical testing. Allele origin: germline.